The following is an entry in ClinVar:

NM_001853.4(COL9A3):c.1303_1304delinsAA (p.Ala435Lys)

Gene: COL9A3 (collagen type IX alpha 3 chain; plus strand). Cytogenetic location: 20q13.33.
Variant type: Indel.
Coding change: c.1303_1304delinsAA on transcript NM_001853.4 (MANE Select); coding-DNA positions 1303 to 1304, GC replaced by AA.
Protein change: p.Ala435Lys; replaces alanine 435 with lysine.
Molecular consequence: missense variant.
Genome position (GRCh38, 1-based): chr20:62,832,169-62,832,170, GC replaced by AA. VCF-style: chr20-62832169-GC-AA. GRCh37 (hg19) VCF-style: chr20-61463521-GC-AA.
Other names: short protein forms A435K.
Identifiers: ClinVar variation 3694618 (VCV003694618.2).

ClinVar aggregate classification (germline): Uncertain significance (1 of 4 stars; one submission).

Submission:

Labcorp Genetics (formerly Invitae), Labcorp
Classification: Uncertain significance. Last evaluated: 2024-11-16. Review status: criteria provided, single submitter. Criteria: Invitae Variant Classification Sherloc (09022015). Collection method: clinical testing. Allele origin: germline.
Comment: This sequence change replaces alanine, which is neutral and non-polar, with lysine, which is basic and polar, at codon 435 of the COL9A3 protein (p.Ala435Lys). Information on the frequency of this variant in the gnomAD database is not available, as this variant may be reported differently in the database. This variant has not been reported in the literature in individuals affected with COL9A3-related conditions. An algorithm developed to predict the effect of missense changes on protein structure and function (PolyPhen-2) suggests that this variant is likely to be disruptive. In summary, the available evidence is currently insufficient to determine the role of this variant in disease. Therefore, it has been classified as a Variant of Uncertain Significance.